The following is an entry in ClinVar:

ClinVar aggregate classification (germline): Uncertain significance (1 of 4 stars; one submission).

Conditions:
Autoimmune lymphoproliferative syndrome, type III caused by mutation in PRKCD. Identifiers: Orphanet 3261, Orphanet 664711, MedGen C3809928, MONDO:8000024, OMIM 615559.

Allele frequency attached by ClinVar (database versions not stated): TOPMed below 0.00001; ExAC 0.00001; gnomAD 0.00001.
gnomAD v4.1: 13 of 1,614,076 alleles (0.00081%); highest among the groups gnomAD compares: South Asian, 0.0011%; no homozygotes.

Submission:

ARUP Laboratories, Molecular Genetics and Genomics, ARUP Laboratories
Classification: Uncertain significance for Autoimmune lymphoproliferative syndrome, type III caused by mutation in PRKCD. Last evaluated: 2019-11-15. Review status: criteria provided, single submitter. Criteria: ARUP Molecular Germline Variant Investigation Process. Collection method: clinical testing. Allele origin: germline.
Comment: The PRKCD c.703G>A; p.Val235Ile variant (rs782573482), to our knowledge, is not reported in the medical literature or gene-specific databases. This variant is found on a single chromosome in the Genome Aggregation Database (1/251428 alleles), indicating it is not a common polymorphism. The valine at codon 235 is moderately conserved, and computational analyses (SIFT, PolyPhen-2) predict that this variant is tolerated. However, due to limited information, the clinical significance of the p.Val235Ile variant is uncertain at this time.

NM_006254.4(PRKCD):c.703G>A (p.Val235Ile)

Gene: PRKCD (protein kinase C delta; plus strand). Cytogenetic location: 3p21.1.
Variant type: single nucleotide variant.
Coding change: c.703G>A on transcript NM_006254.4 (MANE Select); coding-DNA position 703, G replaced by A.
Protein change: p.Val235Ile; replaces valine 235 with isoleucine.
Molecular consequence: missense variant.
Genome position (GRCh38, 1-based): chr3:53,183,497, G>A. VCF-style: chr3-53183497-G-A. GRCh37 (hg19) VCF-style: chr3-53217513-G-A.
Other names: c.703G>A, p.Val235Ile (NM_001316327.2, NM_001354679.2, NM_001354680.2 and 1 more transcripts); c.760G>A, p.Val254Ile (NM_001354676.2); c.751G>A, p.Val251Ile (NM_001354678.2); short protein forms V235I, V251I, V254I.
Identifiers: ClinVar variation 995601 (VCV000995601.8), dbSNP rs782573482, ClinGen allele CA2451946.